The following is an entry in ClinVar:

NM_001365276.2(TNXB):c.7813G>C (p.Val2605Leu)

Gene: TNXB (tenascin XB; minus strand). Cytogenetic location: 6p21.33.
Variant type: single nucleotide variant.
Coding change: c.7813G>C on transcript NM_001365276.2 (MANE Select); coding-DNA position 7813, G replaced by C.
Protein change: p.Val2605Leu; replaces valine 2605 with leucine.
Molecular consequence: missense variant.
Genome position (GRCh38, 1-based): chr6:32,058,070, C>G on the plus strand (G>C on the coding strand, the complement: TNXB is on the minus strand). VCF-style: chr6-32058070-C-G. GRCh37 (hg19) VCF-style: chr6-32025847-C-G.
Other names: c.8554G>C, p.Val2852Leu (NM_001428335.1); c.7813G>C, p.Val2605Leu (NM_019105.8); short protein forms V2605L, V2852L.
Identifiers: ClinVar variation 3459808 (VCV003459808.1).

ClinVar aggregate classification (germline): Uncertain significance (1 of 4 stars; one submission).

Conditions:
Cardiovascular phenotype. Identifiers: MedGen CN230736.

Submission:

Ambry Genetics
Classification: Uncertain significance for Cardiovascular phenotype. Last evaluated: 2024-10-08. Review status: criteria provided, single submitter. Criteria: Ambry Variant Classification Scheme 2023. Collection method: clinical testing. Allele origin: germline.
Comment: The p.V2605L variant (also known as c.7813G>C), located in coding exon 21 of the TNXB gene, results from a G to C substitution at nucleotide position 7813. The valine at codon 2605 is replaced by leucine, an amino acid with highly similar properties. This amino acid position is conserved. In addition, this alteration is predicted to be tolerated by in silico analysis. Based on the available evidence, the clinical significance of this variant remains unclear.